The following is an entry in ClinVar:

NM_000488.4(SERPINC1):c.762+69del

Gene: SERPINC1 (serpin family C member 1; minus strand). Cytogenetic location: 1q25.1.
Variant type: Deletion.
Coding change: c.762+69del on transcript NM_000488.4 (MANE Select); 69 bases into the intron after coding-DNA position 762, one base deleted (T; older notation c.762+69delT).
Molecular consequence: intron variant. On other transcripts: frameshift variant (1).
Genome position (GRCh38, 1-based): chr1:173,910,685, A deleted on the plus strand (T on the coding strand, the reverse complement: SERPINC1 is on the minus strand); the first of 9 consecutive A bases (chr1:173,910,685-173,910,693); deleting any one gives the same sequence. VCF-style (leftmost placement, unchanged base first): chr1-173910684-TA-T. GRCh37 (hg19) VCF-style: chr1-173879822-TA-T.
Other names: c.831del, p.Phe277fs (NM_001386302.1); c.843+69del (NM_001386303.1); c.546+69del (NM_001386306.1); c.741+90del (NM_001386304.1); c.762+69del (NM_001386305.1); c.618+69del (NM_001365052.2); short protein forms F277fs.
Identifiers: ClinVar variation 4886265 (VCV004886265.2).

ClinVar aggregate classification (germline): Uncertain significance (1 of 4 stars; one submission).

Submission:

Dasa
Classification: Uncertain significance. Last evaluated: 2025-07-20. Review status: criteria provided, single submitter. Criteria: DASA Assertion Criteria. Collection method: clinical testing. Allele origin: germline.
Comment: NM_001386302.1(SERPINC1):c.831del (p.Phe277Leufs*48) is a frameshift variant in SERPINC1 predicted to alter the reading frame and introduce a premature termination codon. This variant is rare in population databases. Computational prediction algorithms are consistent with a benign effect. The currently available literature and clinical evidence are not sufficient to establish a definitive association between this variant and the reported condition. Therefore, this variant is classified as a variant of uncertain significance.